The following is an entry in ClinVar:

NM_001135022.2(ELMOD3):c.442C>A (p.Arg148Ser)

Gene: ELMOD3 (ELMO domain containing 3; plus strand). Cytogenetic location: 2p11.2.
Variant type: single nucleotide variant.
Coding change: c.442C>A on transcript NM_001135022.2 (MANE Select); coding-DNA position 442, C replaced by A.
Protein change: p.Arg148Ser; replaces arginine 148 with serine.
Molecular consequence: missense variant. On other transcripts: non-coding transcript variant (3).
Genome position (GRCh38, 1-based): chr2:85,371,167, C>A. VCF-style: chr2-85371167-C-A. GRCh37 (hg19) VCF-style: chr2-85598290-C-A.
Other names: c.442C>A, p.Arg148Ser (NM_001329792.2, NM_001329793.2, NM_001135021.2 and 2 more transcripts); short protein forms R148S.
Identifiers: ClinVar variation 1387334 (VCV001387334.6), dbSNP rs766073287, ClinGen allele CA347483205.

ClinVar aggregate classification (germline): Uncertain significance (1 of 4 stars; one submission).

gnomAD v4.1: 1 of 1,614,272 alleles (0.000062%); highest among the groups gnomAD compares: Admixed American, 0.0017%; no homozygotes.

Submission:

Labcorp Genetics (formerly Invitae), Labcorp
Classification: Uncertain significance. Last evaluated: 2021-10-15. Review status: criteria provided, single submitter. Criteria: Invitae Variant Classification Sherloc (09022015). Collection method: clinical testing. Allele origin: germline.
Comment: This sequence change replaces arginine with serine at codon 148 of the ELMOD3 protein (p.Arg148Ser). The arginine residue is weakly conserved and there is a moderate physicochemical difference between arginine and serine. This variant is not present in population databases (ExAC no frequency). This variant has not been reported in the literature in individuals affected with ELMOD3-related conditions. Algorithms developed to predict the effect of missense changes on protein structure and function (SIFT, PolyPhen-2, Align-GVGD) all suggest that this variant is likely to be tolerated. In summary, the available evidence is currently insufficient to determine the role of this variant in disease. Therefore, it has been classified as a Variant of Uncertain Significance.